The following is an entry in ClinVar:

ClinVar aggregate classification (germline): Likely pathogenic (1 of 4 stars; one submission).

Submission:

Labcorp Genetics (formerly Invitae), Labcorp
Classification: Likely pathogenic. Last evaluated: 2021-11-08. Review status: criteria provided, single submitter. Criteria: Invitae Variant Classification Sherloc (09022015). Collection method: clinical testing. Allele origin: germline.
Comment: In summary, the currently available evidence indicates that the variant is pathogenic, but additional data are needed to prove that conclusively. Therefore, this variant has been classified as Likely Pathogenic. This variant disrupts the p.Gly412 amino acid residue in COL4A5. Other variant(s) that disrupt this residue have been determined to be pathogenic (PMID: 8940267; Invitae). This suggests that this residue is clinically significant, and that variants that disrupt this residue are likely to be disease-causing. This variant is not present in population databases (gnomAD no frequency). This sequence change replaces glycine, which is neutral and non-polar, with arginine, which is basic and polar, at codon 412 of the COL4A5 protein (p.Gly412Arg). This missense change has been observed in individual(s) with clinical features of Alport syndrome (Invitae). Advanced modeling of protein sequence and biophysical properties (such as structural, functional, and spatial information, amino acid conservation, physicochemical variation, residue mobility, and thermodynamic stability) performed at Invitae indicates that this missense variant is expected to disrupt COL4A5 protein function.

Literature cited by the submitters: PubMed 8940267.

NM_033380.3(COL4A5):c.1234G>A (p.Gly412Arg)

Gene: COL4A5 (collagen type IV alpha 5 chain; plus strand). Cytogenetic location: Xq22.3.
Variant type: single nucleotide variant.
Coding change: c.1234G>A on transcript NM_033380.3 (MANE Select); coding-DNA position 1234, G replaced by A.
Protein change: p.Gly412Arg; replaces glycine 412 with arginine.
Molecular consequence: missense variant.
Genome position (GRCh38, 1-based): chrX:108,591,126, G>A. VCF-style: chrX-108591126-G-A. GRCh37 (hg19) VCF-style: chrX-107834356-G-A.
Other names: c.1234G>A, p.Gly412Arg (NM_000495.5); short protein forms G412R.
Identifiers: ClinVar variation 1520095 (VCV001520095.6), dbSNP rs2066425897, ClinGen allele CA413932553.
Genomic context (GRCh38, chrX:108,591,126, plus strand): 5'-GTTATGGGTCCTCCTGGCCCTCCTGGATTTCCTGGAGAAAGGGGTCAGAAAGGTGATGAA[G>A]GACCACCTGGAATTTCCATTCCTGGACCTCCTGGACTTGACGGACAGCCTGGGGCTCCTG-3'
Protein context (NP_203699.1, residues 402-422): PGERGQKGDE[Gly412Arg]PPGISIPGPP